The following is an entry in ClinVar:

NM_005236.3(ERCC4):c.1404A>C (p.Arg468Ser)

Gene: ERCC4 (ERCC excision repair 4, endonuclease catalytic subunit; plus strand). Cytogenetic location: 16p13.12.
Variant type: single nucleotide variant.
Coding change: c.1404A>C on transcript NM_005236.3 (MANE Select); coding-DNA position 1404, A replaced by C.
Protein change: p.Arg468Ser; replaces arginine 468 with serine.
Molecular consequence: missense variant.
Genome position (GRCh38, 1-based): chr16:13,935,336, A>C. VCF-style: chr16-13935336-A-C. GRCh37 (hg19) VCF-style: chr16-14029193-A-C.
Other names: short protein forms R468S.
Identifiers: ClinVar variation 2929691 (VCV002929691.2), dbSNP rs1673227802, ClinGen allele CA394810319.

ClinVar aggregate classification (germline): Uncertain significance (1 of 4 stars; one submission).

Conditions:
Xeroderma pigmentosum, group F (XPF). Also called: ERCC4-Related Xeroderma Pigmentosum; XERODERMA PIGMENTOSUM, COMPLEMENTATION GROUP F; XERODERMA PIGMENTOSUM VI; XP, GROUP F; XERODERMA PIGMENTOSUM, TYPE F; Xeroderma pigmentosum, type 6. Identifiers: MedGen C0268140, MONDO:0010215, OMIM 278760.
Fanconi anemia complementation group Q. Identifiers: Orphanet 84, MedGen C3808988, MONDO:0014108, OMIM 615272.
Cockayne syndrome. Identifiers: Orphanet 191, MedGen C0009207, MONDO:0016006.

Allele frequency attached by ClinVar (database versions not stated): TOPMed below 0.00001; gnomAD 0.00001; gnomAD exomes 0.00002.
gnomAD v4.1: 22 of 1,612,008 alleles (0.0014%); highest among the groups gnomAD compares: Non-Finnish European, 0.0018%; no homozygotes.

Submission:

Labcorp Genetics (formerly Invitae), Labcorp
Classification: Uncertain significance for Fanconi anemia complementation group Q; Xeroderma pigmentosum, group F; Cockayne syndrome. Last evaluated: 2024-10-30. Review status: criteria provided, single submitter. Criteria: Invitae Variant Classification Sherloc (09022015). Collection method: clinical testing. Allele origin: germline.
Comment: This sequence change replaces arginine, which is basic and polar, with serine, which is neutral and polar, at codon 468 of the ERCC4 protein (p.Arg468Ser). This variant is not present in population databases (gnomAD no frequency). This variant has not been reported in the literature in individuals affected with ERCC4-related conditions. ClinVar contains an entry for this variant (Variation ID: 2929691). Invitae Evidence Modeling of protein sequence and biophysical properties (such as structural, functional, and spatial information, amino acid conservation, physicochemical variation, residue mobility, and thermodynamic stability) indicates that this missense variant is not expected to disrupt ERCC4 protein function with a negative predictive value of 80%. In summary, the available evidence is currently insufficient to determine the role of this variant in disease. Therefore, it has been classified as a Variant of Uncertain Significance.